The following is an entry in ClinVar:

NM_006516.4(SLC2A1):c.106C>T (p.Pro36Ser)

Gene: SLC2A1 (solute carrier family 2 member 1; minus strand). Cytogenetic location: 1p34.2.
Variant type: single nucleotide variant.
Coding change: c.106C>T on transcript NM_006516.4 (MANE Select); coding-DNA position 106, C replaced by T.
Protein change: p.Pro36Ser; replaces proline 36 with serine.
Molecular consequence: missense variant.
Genome position (GRCh38, 1-based): chr1:42,943,234, G>A on the plus strand (C>T on the coding strand, the complement: SLC2A1 is on the minus strand). VCF-style: chr1-42943234-G-A. GRCh37 (hg19) VCF-style: chr1-43408905-G-A.
Other names: short protein forms P36S.
Identifiers: ClinVar variation 3765951 (VCV003765951.1).

ClinVar aggregate classification (germline): Uncertain significance (1 of 4 stars; one submission).

Submission:

GeneDx
Classification: Uncertain significance. Last evaluated: 2024-08-28. Review status: criteria provided, single submitter. Criteria: GeneDx Variant Classification Process June 2021. Collection method: clinical testing. Allele origin: germline. Affected: yes.
Comment: Not observed at significant frequency in large population cohorts (gnomAD); In silico analysis supports that this missense variant has a deleterious effect on protein structure/function; Has not been previously published as pathogenic or benign to our knowledge